The following is an entry in ClinVar:

ClinVar aggregate classification (germline): Uncertain significance (1 of 4 stars; one submission).

Conditions:
Hereditary spastic paraplegia 45. Also called: Spastic paraplegia 45, autosomal recessive; SPASTIC PARAPLEGIA 45. Identifiers: Orphanet 320396, MedGen C3888209, MONDO:0013165, OMIM 613162.

Allele frequency attached by ClinVar (database versions not stated): TOPMed below 0.00001.

Submission:

Labcorp Genetics (formerly Invitae), Labcorp
Classification: Uncertain significance for Hereditary spastic paraplegia 45. Last evaluated: 2020-01-31. Review status: criteria provided, single submitter. Criteria: Invitae Variant Classification Sherloc (09022015). Collection method: clinical testing. Allele origin: germline.
Comment: This sequence change falls in intron 4 of the NT5C2 gene. It does not directly change the encoded amino acid sequence of the NT5C2 protein. This variant is not present in population databases (ExAC no frequency). This variant has not been reported in the literature in individuals with NT5C2-related conditions. Algorithms developed to predict the effect of sequence changes on RNA splicing suggest that this variant may disrupt the consensus splice site, but this prediction has not been confirmed by published transcriptional studies. In summary, the available evidence is currently insufficient to determine the role of this variant in disease. Therefore, it has been classified as a Variant of Uncertain Significance.

NM_001351169.2(NT5C2):c.176-7T>G

Gene: NT5C2 (5'-nucleotidase, cytosolic II; minus strand). Cytogenetic location: 10q24.33.
Variant type: single nucleotide variant.
Coding change: c.176-7T>G on transcript NM_001351169.2 (MANE Select); 7 bases into the intron before coding-DNA position 176, T replaced by G.
Molecular consequence: intron variant.
Genome position (GRCh38, 1-based): chr10:103,106,713, A>C on the plus strand (T>G on the coding strand, the complement: NT5C2 is on the minus strand). VCF-style: chr10-103106713-A-C. GRCh37 (hg19) VCF-style: chr10-104866470-A-C.
Other names: c.89-7T>G (NM_001351174.1); c.-306-7T>G (NM_001351191.1, NM_001351181.2); c.-398-7T>G (NM_001351192.1, NM_001351183.2, NM_001351176.2 and 2 more transcripts); c.-422-7T>G (NM_001351193.1, NM_001351178.2); c.-580-7T>G (NM_001351194.2, NM_001351195.2); c.-590-7T>G (NM_001351180.2, NM_001351188.2, NM_001351184.2 and 3 more transcripts); c.176-7T>G (NM_001134373.3, NM_001351170.2, NM_012229.5 and 3 more transcripts); c.-611-7T>G (NM_001351185.2); and 5 more.
Identifiers: ClinVar variation 1012102 (VCV001012102.9), dbSNP rs2071371287, ClinGen allele CA1932959449.